The following is an entry in ClinVar:

NM_002230.4(JUP):c.1729C>T (p.Arg577Cys)

Gene: JUP (junction plakoglobin; minus strand). Cytogenetic location: 17q21.2.
Variant type: single nucleotide variant.
Coding change: c.1729C>T on transcript NM_002230.4 (MANE Select); coding-DNA position 1729, C replaced by T.
Protein change: p.Arg577Cys; replaces arginine 577 with cysteine.
Molecular consequence: missense variant.
Genome position (GRCh38, 1-based): chr17:41,758,443, G>A on the plus strand (C>T on the coding strand, the complement: JUP is on the minus strand). VCF-style: chr17-41758443-G-A. GRCh37 (hg19) VCF-style: chr17-39914695-G-A.
Other names: c.1729C>T (NM_002230.3); c.1729C>T, p.Arg577Cys (NM_001352773.2, NM_001352774.2, NM_001352775.2 and 3 more transcripts); short protein forms R577C.
Identifiers: ClinVar variation 468747 (VCV000468747.18), dbSNP rs782354654, ClinGen allele CA8565143.

ClinVar aggregate classification (germline): Uncertain significance. Review status: criteria provided, multiple submitters, no conflicts (2 of 4 stars). 7 submissions from 7 submitters: Uncertain significance (7). Last evaluated 2025-10-02.

Conditions:
Naxos disease (NXD). Also called: KERATOSIS PALMOPLANTARIS WITH ARRHYTHMOGENIC CARDIOMYOPATHY; MAL DE NAXOS; PALMOPLANTAR KERATODERMA WITH ARRHYTHMOGENIC RIGHT VENTRICULAR CARDIOMYOPATHY AND WOOLLY HAIR; WOOLLY HAIR, PALMOPLANTAR KERATODERMA, AND CARDIAC ABNORMALITIES; CARDIOMYOPATHY, ARRHYTHMOGENIC RIGHT VENTRICULAR, WITH SKIN, HAIR, AND NAIL ABNORMALITIES. Identifiers: Orphanet 34217, MedGen C1832600, MONDO:0011017, OMIM 601214.
Arrhythmogenic right ventricular dysplasia 12. Also called: ARRHYTHMOGENIC RIGHT VENTRICULAR DYSPLASIA, FAMILIAL, 12. Identifiers: MedGen C1969081, MONDO:0012684, OMIM 611528.
Cardiovascular phenotype. Identifiers: MedGen CN230736.

Allele frequency attached by ClinVar (database versions not stated): TOPMed 0.00002; gnomAD 0.00003; gnomAD exomes 0.00003 and 0.00004; ExAC 0.00006.
gnomAD v4.1: 47 of 1,613,820 alleles (0.0029%); highest among the groups gnomAD compares: East Asian, 0.0067%; no homozygotes.

Submissions (7):

Labcorp Genetics (formerly Invitae), Labcorp
Classification: Uncertain significance for Arrhythmogenic right ventricular dysplasia 12; Naxos disease. Last evaluated: 2025-10-02. Review status: criteria provided, single submitter. Criteria: Invitae Variant Classification Sherloc (09022015). Collection method: clinical testing. Allele origin: germline.
Comment: This sequence change replaces arginine, which is basic and polar, with cysteine, which is neutral and slightly polar, at codon 577 of the JUP protein (p.Arg577Cys). This variant is present in population databases (rs782354654, gnomAD 0.01%). This missense change has been observed in individual(s) with clinical features of arrhythmogenic right ventricular cardiomyopathy (PMID: 31275992). ClinVar contains an entry for this variant (Variation ID: 468747). An algorithm developed to predict the effect of missense changes on protein structure and function (PolyPhen-2) suggests that this variant is likely to be disruptive. Experimental studies are conflicting or provide insufficient evidence to determine the effect of this variant on JUP function (PMID: 31275992). In summary, the available evidence is currently insufficient to determine the role of this variant in disease. Therefore, it has been classified as a Variant of Uncertain Significance.

Molecular Diagnostic Laboratory for Inherited Cardiovascular Disease, Montreal Heart Institute
Classification: Uncertain significance for Cardiovascular phenotype. Last evaluated: 2025-04-09. Review status: criteria provided, single submitter. Criteria: ACMG Guidelines, 2015. Collection method: clinical testing. Allele origin: germline. Affected: yes.
Comment: PM2, PS3_supp, PP3

Ambry Genetics
Classification: Uncertain significance for Cardiovascular phenotype. Last evaluated: 2024-12-04. Review status: criteria provided, single submitter. Criteria: Ambry Variant Classification Scheme 2023. Collection method: clinical testing. Allele origin: germline.
Comment: The p.R577C variant (also known as c.1729C>T), located in coding exon 9 of the JUP gene, results from a C to T substitution at nucleotide position 1729. The arginine at codon 577 is replaced by cysteine, an amino acid with highly dissimilar properties. This variant has been reported as occurring de novo in an individual with some features consistent with arrhythmogenic right ventricular cardiomyopathy. In vitro studies by the same group suggest this variant may impact expression of other proteins (Liu L et al. Biomed Res Int. 2019 May;2019:9103860). Based on data from gnomAD, the frequency for this variant is above the maximum credible frequency for a disease-causing variant in this gene based on internally established thresholds (Karczewski et al. Nature. 2020 May;581(7809):434-443; Whiffin et al. Genet Med. 2017 10;19:1151-1158). This amino acid position is highly conserved in available vertebrate species. In addition, this alteration is predicted to be deleterious by in silico analysis. Since supporting evidence is conflicting at this time, the clinical significance of this alteration remains unclear.

Molecular Genetics, Royal Melbourne Hospital
Classification: Uncertain significance for Arrhythmogenic right ventricular dysplasia 12. Last evaluated: 2024-08-05. Review status: criteria provided, single submitter. Criteria: ACMG Guidelines, 2015. Collection method: clinical testing. Allele origin: germline.

Fulgent Genetics
Classification: Uncertain significance for Naxos disease; Arrhythmogenic right ventricular dysplasia 12. Last evaluated: 2021-10-11. Review status: criteria provided, single submitter. Criteria: ACMG Guidelines, 2015. Collection method: clinical testing. Allele origin: unknown.

Women's Health and Genetics/Laboratory Corporation of America, LabCorp
Classification: Uncertain significance. Last evaluated: 2021-06-21. Review status: criteria provided, single submitter. Criteria: LabCorp Variant Classification Summary - May 2015. Collection method: clinical testing. Allele origin: germline.
Comment: Variant summary: JUP c.1729C>T (p.Arg577Cys) results in a non-conservative amino acid change in the encoded protein sequence. Five of five in-silico tools predict a damaging effect of the variant on protein function. The variant allele was found at a frequency of 3.6e-05 in 251314 control chromosomes. The available data on variant occurrences in the general population are insufficient to allow any conclusion about variant significance. c.1729C>T has been reported in the literature as a de novo variant in a patient affected with Arrhythmogenic Right Ventricular Dysplasia/Cardiomyopathy (Liu_2019). This same report shows experimental evidence of decreased experssion of DSG2 and Connexin 43 in mutated cells via Western blot analysis. Two clinical diagnostic laboratories have submitted clinical-significance assessments for this variant to ClinVar after 2014 without evidence for independent evaluation. All laboratories classified the variant as uncertain significance. Based on the evidence outlined above, the variant was classified as VUS - possibly pathogenic.

Center for Genomics, Ann and Robert H. Lurie Children's Hospital of Chicago
Classification: Uncertain significance for Naxos disease; Arrhythmogenic right ventricular dysplasia 12. Review status: criteria provided, single submitter. Criteria: ACMG Guidelines, 2015. Collection method: clinical testing. Allele origin: germline.
Comment: JUP NM_002230.2 exon 10 p.Arg577Cys (c.1729C>T): This variant has not been reported in the literature and is present in 0.01% (2/18388) of East Asian alleles in the Genome Aggregation Database. This variant is present in ClinVar (Variation ID:468747). Evolutionary conservation and computational predictive tools suggest that this variant may impact the protein. In summary, data on this variant is insufficient for disease classification. Therefore, the clinical significance of this variant is uncertain.

Literature cited by the submitters: PubMed 31275992 (cited by 3 submitters).